The following is an entry in ClinVar:

ClinVar aggregate classification (germline): Conflicting classifications of pathogenicity. Review status: criteria provided, conflicting classifications (1 of 4 stars). 5 submissions from 5 submitters: Uncertain significance (1); Likely benign (3). 1 of the submissions does not count toward it. Last evaluated 2026-01-28.

Conditions:
Vanishing white matter disease. Also called: Childhood ataxia with diffuse central nervous system hypomyelination; Leukoencephalopathy with vanishing white matter; CACH/VWM syndrome; Cree leukoencehalopathy; CACH syndrome. Identifiers: Orphanet 135, Orphanet 99853, MedGen C1858991, MONDO:0800448.
EIF2B3-related disorder. Also called: EIF2B3-related condition.

Allele frequency attached by ClinVar (database versions not stated): 1000 Genomes Project 30x 0.00047; 1000 Genomes Project 0.00060; ESP Exome Variant Server 0.00062; TOPMed 0.00066; ExAC 0.00099; gnomAD exomes 0.00113 and 0.00115; gnomAD 0.00132 and 0.00146.
gnomAD v4.1: 1,841 of 1,614,102 alleles (0.11%); highest among the groups gnomAD compares: Non-Finnish European, 0.1%; 6 homozygotes.

Submissions (5):

Labcorp Genetics (formerly Invitae), Labcorp
Classification: Likely benign. Last evaluated: 2026-01-28. Review status: criteria provided, single submitter. Criteria: Invitae Variant Classification Sherloc (09022015). Collection method: clinical testing. Allele origin: germline.

Blueprint Genetics
Classification: Likely benign. Last evaluated: 2024-09-19. Review status: criteria provided, single submitter. Criteria: ACMG Guidelines, 2015. Collection method: clinical testing. Allele origin: germline.

CeGaT Center for Human Genetics Tuebingen
Classification: Likely benign. Last evaluated: 2024-07-01. Review status: criteria provided, single submitter. Criteria: CeGaT Center For Human Genetics Tuebingen Variant Classification Criteria Version 2. Collection method: clinical testing. Allele origin: germline. Affected: yes. Observed: 3 variant alleles.
Comment: EIF2B3: BP4

Illumina Laboratory Services, Illumina
Classification: Uncertain significance for Leukoencephalopathy with vanishing white matter 1. Last evaluated: 2017-04-27. Review status: criteria provided, single submitter. Criteria: ICSL Variant Classification Criteria 13 December 2019. Collection method: clinical testing. Allele origin: germline.

PreventionGenetics, part of Exact Sciences
Classification: Likely benign for EIF2B3-related condition. Last evaluated: 2021-08-23. Review status: no assertion criteria provided. Collection method: clinical testing. Allele origin: germline. Not counted in ClinVar's aggregate classification.
Comment: This variant is classified as likely benign based on ACMG/AMP sequence variant interpretation guidelines (Richards et al. 2015 PMID: 25741868, with internal and published modifications).

NM_020365.5(EIF2B3):c.983A>G (p.Lys328Arg)

Gene: EIF2B3 (eukaryotic translation initiation factor 2B subunit gamma; minus strand). Cytogenetic location: 1p34.1.
Variant type: single nucleotide variant.
Coding change: c.983A>G on transcript NM_020365.5 (MANE Select); coding-DNA position 983, A replaced by G.
Protein change: p.Lys328Arg; replaces lysine 328 with arginine.
Molecular consequence: missense variant.
Genome position (GRCh38, 1-based): chr1:44,875,688, T>C on the plus strand (A>G on the coding strand, the complement: EIF2B3 is on the minus strand). VCF-style: chr1-44875688-T-C. GRCh37 (hg19) VCF-style: chr1-45341360-T-C.
Other names: c.983A>G, p.Lys328Arg (NM_001166588.3, NM_001261418.2); short protein forms K328R.
Identifiers: ClinVar variation 716801 (VCV000716801.39), dbSNP rs138741202, ClinGen allele CA823861.